The following is an entry in ClinVar:

ClinVar aggregate classification (germline): Benign/Likely benign. Review status: criteria provided, multiple submitters, no conflicts (2 of 4 stars). 14 submissions from 14 submitters: Benign (5); Likely benign (3). 6 of the submissions do not count toward it. Last evaluated 2026-02-04.

Conditions:
FANCC-related disorder. Also called: FANCC-related condition.
Hereditary cancer-predisposing syndrome. Also called: Tumor predisposition; Hereditary neoplastic syndrome; Hereditary Cancer Syndrome; Neoplastic Syndromes, Hereditary. Identifiers: Orphanet 140162, MedGen C0027672, MeSH D009386, MONDO:0015356.
Fanconi anemia (FA). Also called: Fanconi's anemia. Identifiers: Orphanet 84, MedGen C0015625, MeSH D005199, MONDO:0019391.
Fanconi anemia complementation group C (FANCC). Also called: Fanconi anemia, group C; FANCC-Related Fanconi Anemia; FANCONI PANCYTOPENIA, TYPE 3; FACC. Identifiers: Orphanet 84, MedGen C3468041, MONDO:0009213, OMIM 227645.

Allele frequency attached by ClinVar (database versions not stated): ESP Exome Variant Server 0.00069; gnomAD 0.00074 and 0.00095; ExAC 0.00131; TOPMed 0.00139; 1000 Genomes Project 0.00399; 1000 Genomes Project 30x 0.00422.
gnomAD v4.1: 655 of 1,613,888 alleles (0.041%); highest among the groups gnomAD compares: East Asian, 0.8%; 9 homozygotes.

Submissions (14):

Labcorp Genetics (formerly Invitae), Labcorp
Classification: Benign for Fanconi anemia. Last evaluated: 2026-02-04. Review status: criteria provided, single submitter. Criteria: Invitae Variant Classification Sherloc (09022015). Collection method: clinical testing. Allele origin: germline.

Blueprint Genetics
Classification: Likely benign. Last evaluated: 2024-11-26. Review status: criteria provided, single submitter. Criteria: ACMG Guidelines, 2015. Collection method: clinical testing. Allele origin: germline.

CeGaT Center for Human Genetics Tuebingen
Classification: Benign. Last evaluated: 2024-03-01. Review status: criteria provided, single submitter. Criteria: CeGaT Center For Human Genetics Tuebingen Variant Classification Criteria Version 2. Collection method: clinical testing. Allele origin: germline. Affected: yes. Observed: 1 variant allele.
Comment: FANCC: BP4, BP7, BS1, BS2

Illumina Laboratory Services, Illumina
Classification: Benign for Fanconi anemia complementation group C. Last evaluated: 2018-01-12. Review status: criteria provided, single submitter. Criteria: ICSL Variant Classification Criteria 13 December 2019. Collection method: clinical testing. Allele origin: germline.
Comment: This variant was observed in the ICSL laboratory as part of a predisposition screen in an ostensibly healthy population. It had not been previously curated by ICSL or reported in the Human Gene Mutation Database (HGMD: prior to June 1st, 2018), and was therefore a candidate for classification through an automated scoring system. Utilizing variant allele frequency, disease prevalence and penetrance estimates, and inheritance mode, an automated score was calculated to assess if this variant is too frequent to cause the disease. Based on the score and internal cut-off values, a variant classified as benign is not then subjected to further curation. The score for this variant resulted in a classification of benign for this disease.

Ambry Genetics
Classification: Likely benign for Hereditary cancer-predisposing syndrome. Last evaluated: 2016-09-29. Review status: criteria provided, single submitter. Criteria: Ambry Variant Classification Scheme 2023. Collection method: clinical testing. Allele origin: germline.

Genetic Services Laboratory, University of Chicago
Classification: Likely benign. Last evaluated: 2016-05-27. Review status: criteria provided, single submitter. Criteria: ACMG Guidelines, 2015. Collection method: clinical testing. Allele origin: germline. Affected: no.

Women's Health and Genetics/Laboratory Corporation of America, LabCorp
Classification: Benign. Last evaluated: 2016-04-29. Review status: criteria provided, single submitter. Criteria: LabCorp Variant Classification Summary - May 2015. Collection method: clinical testing. Allele origin: germline.
Comment: Variant summary: The FANCC c.816C>T (p.Ile272Ile) variant affects a non-conserved nucleotide, resulting in a synonymous mutation. Mutation taster predicts damaging outcome for this variant while 5/5 in silico tools via Alamut predict the variant not to have an impact on normal splicing. The variant was observed by the ExAC project in 159/121094 control chromosomes (1 homozygote) at a frequency of 0.001313, which does not exceed maximal expected frequency of a pathogenic allele (0.0017678). However, in the East Asian subcohort, the variant was observed at an allele frequency of 0.015 which exceeds the estimated maximal expected allele frequency of a disease causing FANCC allele indicating the variant to be a neutral polymorphism in populations of East Asian origin. In addition, two independent clinical laboratory databases classified this variant as Benign via ClinVar (without evidence to independently evaluate). Considering the high prevalence of the variant in the East Asian population, it was classified as Benign.

GeneDx
Classification: Benign. Last evaluated: 2014-05-15. Review status: criteria provided, single submitter. Criteria: GeneDx Variant Classification (06012015). Collection method: clinical testing. Allele origin: germline. Affected: yes.
Comment: This variant is considered likely benign or benign based on one or more of the following criteria: it is a conservative change, it occurs at a poorly conserved position in the protein, it is predicted to be benign by multiple in silico algorithms, and/or has population frequency not consistent with disease.

Leiden Open Variation Database
Classification: Uncertain significance. Last evaluated: 2020-02-28. Review status: no assertion criteria provided. Collection method: curation. Allele origin: germline. Affected: yes. Not counted in ClinVar's aggregate classification.
Comment: Curator: Arleen D. Auerbach. Submitter to LOVD: Arleen D. Auerbach.

PreventionGenetics, part of Exact Sciences
Classification: Benign for FANCC-related condition. Last evaluated: 2019-11-19. Review status: no assertion criteria provided. Collection method: clinical testing. Allele origin: germline. Not counted in ClinVar's aggregate classification.
Comment: This variant is classified as benign based on ACMG/AMP sequence variant interpretation guidelines (Richards et al. 2015 PMID: 25741868, with internal and published modifications).

Natera, Inc.
Classification: Likely benign for Fanconi anemia. Last evaluated: 2017-06-13. Review status: no assertion criteria provided. Collection method: clinical testing. Allele origin: germline. Not counted in ClinVar's aggregate classification.

Department of Pathology and Laboratory Medicine, Sinai Health System
Classification: Benign. Review status: no assertion criteria provided. Collection method: clinical testing. Allele origin: unknown. Affected: yes. Study: The Canadian Open Genetics Repository (COGR). Not counted in ClinVar's aggregate classification.
Comment: The FANCC p.Ile272= variant was identified in 1 of 1038 proband chromosomes (frequency: 0.001) from individuals or families with pancreatic and breast cancers and was present in 1 of 1316 control chromosomes (frequency: 0.001) from healthy individuals (Couch 2005, Seal 2003). The variant was also identified in dbSNP (ID: rs55719336) as â€šÃ„Ãºwith other alleleâ€šÃ„Ã¹; in ClinVar and Clinvitae databases as benign by GeneDx and Invitae, and as uncertain significance by Illumina Clinical Serivices; and in LOVD 3.0 database with no classification provided. Furthermore, the variant was also identified in the 1000 Genomes Project in 20 of 5000 chromosomes (frequency: 0.004) and in the NHLBI GO Exome Sequencing Project in 9 of 4406 African American alleles. The variant was not identified in Cosmic and MutDB, databases. The variant was identified in control databases in 339 (4 homozygous) of 277168 chromosomes at a frequency of 0.001 in the following populations: African in 31 of 24028 chromosomes (freq. 0.001), Latino in 2 of 34412 chromosomes (freq. 0.00006), European Non-Finnish in 1 of 126670 chromosomes (freq. 0.00001), East Asian in 291 of 18864 chromosomes (freq. 0.02), South Asian in 10 of 30780 chromosomes (freq. 0.0003), and in other in 4 of 6468 chromosomes (freq. 0.001) but was not seen in Ashkenazi Jewish and European Finnish populations (Genome Aggregation Consortium Feb 27, 2017). The p.Ile272= variant is not expected to have clinical significance because it does not result in a change of amino acid and is not located in a known consensus splice site. In addition, in silico or computational prediction software programs (SpliceSiteFinder, MaxEntScan, NNSPLICE, GeneSplicer, HumanSpliceFinder) do not predict a difference in splicing. In summary, based on the above information this variant meets our laboratory's criteria to be classified as benign.

Genome Diagnostics Laboratory, Amsterdam University Medical Center
Classification: Benign. Review status: no assertion criteria provided. Collection method: clinical testing. Allele origin: germline. Affected: yes. Study: VKGL Data-share Consensus. Not counted in ClinVar's aggregate classification.

Genome Diagnostics Laboratory, University Medical Center Utrecht
Classification: Benign. Review status: no assertion criteria provided. Collection method: clinical testing. Allele origin: germline. Affected: yes. Study: VKGL Data-share Consensus. Not counted in ClinVar's aggregate classification.

Literature cited by the submitters: PubMed 14695169 (cited by Leiden Open Variation Database).

NM_000136.3(FANCC):c.816C>T (p.Ile272=)

Genes: AOPEP (aminopeptidase O (putative); plus strand), FANCC (FA complementation group C; minus strand). Cytogenetic location: 9q22.32.
Variant type: single nucleotide variant.
Coding change: c.816C>T on transcript NM_000136.3 (MANE Select); coding-DNA position 816, C replaced by T.
Protein change: p.Ile272=; no amino-acid change (isoleucine 272 retained).
Molecular consequence: synonymous variant.
Genome position (GRCh38, 1-based): chr9:95,135,373, G>A on the plus strand (C>T on the coding strand, the complement: FANCC is on the minus strand). VCF-style: chr9-95135373-G-A. GRCh37 (hg19) VCF-style: chr9-97897655-G-A.
Other names: p.I272I:ATC>ATT; c.816C>T, p.Ile272= (NM_001243743.2, NM_001243744.2).
Identifiers: ClinVar variation 137277 (VCV000137277.55), dbSNP rs55719336, ClinGen allele CA290815.